The following is an entry in ClinVar:

ClinVar aggregate classification (germline): Uncertain significance (1 of 4 stars; one submission).

Conditions:
Autosomal recessive limb-girdle muscular dystrophy type 2J (LGMDR10). Also called: Limb-girdle muscular dystrophy, type 2J; MUSCULAR DYSTROPHY, LIMB-GIRDLE, AUTOSOMAL RECESSIVE 10. Identifiers: Orphanet 140922, MedGen C1837342, MONDO:0012127, OMIM 608807.
Dilated cardiomyopathy 1G (CMD1G). Identifiers: Orphanet 154, MedGen C1858763, MONDO:0011400, OMIM 604145.

Submission:

Labcorp Genetics (formerly Invitae), Labcorp
Classification: Uncertain significance for Dilated cardiomyopathy 1G; Autosomal recessive limb-girdle muscular dystrophy type 2J. Last evaluated: 2025-07-23. Review status: criteria provided, single submitter. Criteria: Invitae Variant Classification Sherloc (09022015). Collection method: clinical testing. Allele origin: germline.
Comment: This sequence change replaces threonine, which is neutral and polar, with alanine, which is neutral and non-polar, at codon 35491 of the TTN protein (p.Thr35491Ala). This variant is not present in population databases (gnomAD no frequency). This variant has not been reported in the literature in individuals affected with TTN-related conditions. ClinVar contains an entry for this variant (Variation ID: 3751137). An algorithm developed to predict the effect of missense changes on protein structure and function outputs the following: PolyPhen-2: "Not Available". The alanine amino acid residue is found in multiple mammalian species, which suggests that this missense change does not adversely affect protein function. This variant is located in the M band of TTN (PMID: 25589632). Non-truncating variants in this region may be relevant for neuromuscular disorders, but have not been definitively shown to cause cardiomyopathy (PMID: 23975875). In summary, the available evidence is currently insufficient to determine the role of this variant in disease. Therefore, it has been classified as a Variant of Uncertain Significance.

Literature cited by the submitters: PubMed 25589632; PubMed 23975875.

NM_001267550.2(TTN):c.106471A>G (p.Thr35491Ala)

Genes: TTN (titin; minus strand), TTN-AS1 (TTN antisense RNA 1; plus strand). Cytogenetic location: 2q31.2.
Variant type: single nucleotide variant.
Coding change: c.106471A>G on transcript NM_001267550.2 (MANE Select); coding-DNA position 106471, A replaced by G.
Protein change: p.Thr35491Ala; replaces threonine 35491 with alanine.
Molecular consequence: missense variant.
Genome position (GRCh38, 1-based): chr2:178,530,020, T>C on the plus strand (A>G on the coding strand, the complement: TTN is on the minus strand). VCF-style: chr2-178530020-T-C. GRCh37 (hg19) VCF-style: chr2-179394747-T-C.
Other names: c.101548A>G, p.Thr33850Ala (NM_001256850.1); c.79276A>G, p.Thr26426Ala (NM_003319.4); c.98767A>G, p.Thr32923Ala (NM_133378.4); c.79651A>G, p.Thr26551Ala (NM_133432.3); c.79852A>G, p.Thr26618Ala (NM_133437.4); short protein forms T26426A, T26551A, T26618A, T32923A, T33850A, T35491A.
Identifiers: ClinVar variation 3751137 (VCV003751137.2).
Genomic context (GRCh38, chr2:178,530,020, plus strand): 5'-CTTTTATTGTTAATTTGCAGCTAGAGGACACAGATCCAGCTGAATTTTTTACTGTACAAG[T>C]ATAAAGTCCACTGTCAGAAGTATCAGTCTTATGAATTTCTAAGAAGAACCCTCCCTTGTC-3'
Protein context (NP_001254479.2, residues 35481-35501): KTDTSDSGLY[Thr35491Ala]CTVKNSAGSV